The following is an entry in ClinVar:

NM_000095.3(COMP):c.811G>A (p.Asp271Asn)

Gene: COMP (cartilage oligomeric matrix protein; minus strand). Cytogenetic location: 19p13.11.
Variant type: single nucleotide variant.
Coding change: c.811G>A on transcript NM_000095.3 (MANE Select); coding-DNA position 811, G replaced by A.
Protein change: p.Asp271Asn; replaces aspartic acid 271 with asparagine.
Molecular consequence: missense variant.
Genome position (GRCh38, 1-based): chr19:18,788,466, C>T on the plus strand (G>A on the coding strand, the complement: COMP is on the minus strand). VCF-style: chr19-18788466-C-T. GRCh37 (hg19) VCF-style: chr19-18899275-C-T.
Other names: short protein forms D271N.
Identifiers: ClinVar variation 2097203 (VCV002097203.4), dbSNP rs1131691835, ClinGen allele CA404892738.

ClinVar aggregate classification (germline): Likely pathogenic (1 of 4 stars; one submission).

Submission:

Labcorp Genetics (formerly Invitae), Labcorp
Classification: Likely pathogenic. Last evaluated: 2023-07-07. Review status: criteria provided, single submitter. Criteria: Invitae Variant Classification Sherloc (09022015). Collection method: clinical testing. Allele origin: germline.
Comment: ClinVar contains an entry for this variant (Variation ID: 2097203). This sequence change replaces aspartic acid, which is acidic and polar, with asparagine, which is neutral and polar, at codon 271 of the COMP protein (p.Asp271Asn). This variant is not present in population databases (gnomAD no frequency). This missense change has been observed in individual(s) with clinical features of COMP-related conditions (Invitae). Advanced modeling of protein sequence and biophysical properties (such as structural, functional, and spatial information, amino acid conservation, physicochemical variation, residue mobility, and thermodynamic stability) performed at Invitae indicates that this missense variant is expected to disrupt COMP protein function. This variant disrupts the p.Asp271 amino acid residue in COMP. Other variant(s) that disrupt this residue have been determined to be pathogenic (PMID: 10405447, 17570134). This suggests that this residue is clinically significant, and that variants that disrupt this residue are likely to be disease-causing. In summary, the currently available evidence indicates that the variant is pathogenic, but additional data are needed to prove that conclusively. Therefore, this variant has been classified as Likely Pathogenic.

Literature cited by the submitters: PubMed 10405447; PubMed 17570134.